The following is an entry in ClinVar:

ClinVar aggregate classification (germline): Conflicting classifications of pathogenicity. Review status: criteria provided, conflicting classifications (1 of 4 stars). 2 submissions from 2 submitters: Likely pathogenic (1); Uncertain significance (1). Last evaluated 2026-03-09.

Conditions:
RAPSN-related disorder. Also called: RAPSN-related condition; RAPSN-related disorders. Identifiers: MedGen CN239397.
Fetal akinesia deformation sequence 1 (FADS1). Also called: Fetal akinesia sequence; Pena-Shokeir syndrome type I. Identifiers: Orphanet 994, MedGen C1276035, MONDO:0100101, OMIM 208150, HP:0001989.
Congenital myasthenic syndrome 11. Also called: MYASTHENIC SYNDROME, CONGENITAL, Ie; Myasthenic syndrome, congenital, 11, associated with acetylcholine receptor deficiency. Identifiers: Orphanet 590, MedGen C4225367, MONDO:0014588, OMIM 616326.

Submissions (2):

Myriad Genetics, Inc.
Classification: Uncertain significance for RAPSN-related disorder. Last evaluated: 2026-03-09. Review status: criteria provided, single submitter. Criteria: Myriad Autosomal Dominant, Autosomal Recessive and X-Linked Classification Criteria (2023). Collection method: clinical testing. Allele origin: unknown.
Comment: NM_005055.4(RAPSN):c.133G>T(V45L) is a missense variant classified as a variant of uncertain significance in the context of RAPSN-related disorders. V45L has not been observed in cases with relevant disease. Relevant functional assessments of this variant are not available in the literature. V45L has not been observed in referenced population frequency databases. In summary, there is insufficient evidence to classify NM_005055.4(RAPSN):c.133G>T(V45L) as pathogenic or benign. Please note: this variant was assessed in the context of healthy population screening.

Labcorp Genetics (formerly Invitae), Labcorp
Classification: Likely pathogenic for Congenital myasthenic syndrome 11; Fetal akinesia deformation sequence 1. Last evaluated: 2023-11-13. Review status: criteria provided, single submitter. Criteria: Invitae Variant Classification Sherloc (09022015). Collection method: clinical testing. Allele origin: germline.
Comment: This sequence change replaces valine, which is neutral and non-polar, with leucine, which is neutral and non-polar, at codon 45 of the RAPSN protein (p.Val45Leu). This variant is not present in population databases (gnomAD no frequency). This variant has not been reported in the literature in individuals affected with RAPSN-related conditions. ClinVar contains an entry for this variant (Variation ID: 2175150). Advanced modeling of protein sequence and biophysical properties (such as structural, functional, and spatial information, amino acid conservation, physicochemical variation, residue mobility, and thermodynamic stability) performed at Invitae indicates that this missense variant is not expected to disrupt RAPSN protein function with a negative predictive value of 80%. This variant disrupts the p.Val45 amino acid residue in RAPSN. Other variant(s) that disrupt this residue have been determined to be pathogenic (PMID: 17594401, 19620612). This suggests that this residue is clinically significant, and that variants that disrupt this residue are likely to be disease-causing. In summary, the currently available evidence indicates that the variant is pathogenic, but additional data are needed to prove that conclusively. Therefore, this variant has been classified as Likely Pathogenic.

Literature cited by the submitters: PubMed 17594401 (cited by Labcorp Genetics (formerly Invitae), Labcorp); PubMed 19620612 (cited by Labcorp Genetics (formerly Invitae), Labcorp).

NM_005055.5(RAPSN):c.133G>T (p.Val45Leu)

Gene: RAPSN (receptor associated protein of the synapse; minus strand). Cytogenetic location: 11p11.2.
Variant type: single nucleotide variant.
Coding change: c.133G>T on transcript NM_005055.5 (MANE Select); coding-DNA position 133, G replaced by T.
Protein change: p.Val45Leu; replaces valine 45 with leucine.
Molecular consequence: missense variant.
Genome position (GRCh38, 1-based): chr11:47,448,832, C>A on the plus strand (G>T on the coding strand, the complement: RAPSN is on the minus strand). VCF-style: chr11-47448832-C-A. GRCh37 (hg19) VCF-style: chr11-47470384-C-A.
Other names: c.133G>T, p.Val45Leu (NM_032645.5); short protein forms V45L.
Identifiers: ClinVar variation 2175150 (VCV002175150.5), dbSNP rs121909254, ClinGen allele CA221723367.